The following is an entry in ClinVar:

ClinVar aggregate classification (germline): Pathogenic/Likely pathogenic. Review status: criteria provided, multiple submitters, no conflicts (2 of 4 stars). 3 submissions from 3 submitters: Pathogenic (1); Likely pathogenic (2). Last evaluated 2023-05-25.

Conditions:
Hereditary cancer-predisposing syndrome. Also called: Hereditary neoplastic syndrome; Hereditary Cancer Syndrome; Tumor predisposition; Neoplastic Syndromes, Hereditary. Identifiers: Orphanet 140162, MedGen C0027672, MeSH D009386, MONDO:0015356.
Familial cancer of breast. Also called: hereditary breast carcinoma; BREAST CANCER, FAMILIAL; Hereditary breast cancer. Identifiers: Orphanet 227535, MedGen C0346153, MONDO:0016419, OMIM 114480. Disease mechanism: loss of function.

Submissions (3):

Myriad Genetics, Inc.
Classification: Pathogenic for Familial cancer of breast. Last evaluated: 2023-05-25. Review status: criteria provided, single submitter. Criteria: Myriad Autosomal Dominant, Autosomal Recessive and X-Linked Classification Criteria (2023). Collection method: clinical testing. Allele origin: unknown.
Comment: This variant is considered pathogenic. This variant creates a termination codon and is predicted to result in premature protein truncation.

Labcorp Genetics (formerly Invitae), Labcorp
Classification: Likely pathogenic for Familial cancer of breast. Last evaluated: 2023-04-26. Review status: criteria provided, single submitter. Criteria: Invitae Variant Classification Sherloc (09022015). Collection method: clinical testing. Allele origin: germline.
Comment: In summary, the currently available evidence indicates that the variant is pathogenic, but additional data are needed to prove that conclusively. Therefore, this variant has been classified as Likely Pathogenic. This variant disrupts the C-terminal BRCT domain of BARD1 protein, which is required for chromosome stability and homology-directed repair (PMID: 17848578). A different variant (p.Val767fs) that lies downstream of this variant has been reported to affect BARD1 protein function (PMID: 30925164), this suggests that disruption of this region of the protein is causative of disease. ClinVar contains an entry for this variant (Variation ID: 1521142). This variant has not been reported in the literature in individuals affected with BARD1-related conditions. This variant is not present in population databases (gnomAD no frequency). This sequence change creates a premature translational stop signal (p.Tyr736*) in the BARD1 gene. While this is not anticipated to result in nonsense mediated decay, it is expected to disrupt the last 42 amino acid(s) of the BARD1 protein.

Ambry Genetics
Classification: Likely pathogenic for Hereditary cancer-predisposing syndrome. Last evaluated: 2023-03-01. Review status: criteria provided, single submitter. Criteria: Ambry Variant Classification Scheme 2023. Collection method: clinical testing. Allele origin: germline.
Comment: The p.Y736* variant (also known as c.2208T>A), located in coding exon 11 of the BARD1 gene, results from a T to A substitution at nucleotide position 2208. This changes the amino acid from a tyrosine to a stop codon within coding exon 11. This alteration occurs at the 3' terminus of theBARD1 gene, is not expected to trigger nonsense-mediated mRNA decay, and only impacts the last 42 amino acids of the protein. However, premature stop codons are typically deleterious in nature, and the impacted region is critical for protein function (Ambry internal data). Another truncating alteration downstream, p.V767fs*4 (c.2300_2301delTG), was found to be non-functional in a homology-directed DNA repair through functional studies (Adamovich AI et al. PLoS Genet. 2019 03;15:e1008049). Based on the majority of available evidence to date, this variant is likely to be pathogenic.

Literature cited by the submitters: PubMed 17848578 (cited by Labcorp Genetics (formerly Invitae), Labcorp); PubMed 30925164 (cited by Labcorp Genetics (formerly Invitae), Labcorp).

NM_000465.4(BARD1):c.2208T>A (p.Tyr736Ter)

Gene: BARD1 (BRCA1 associated RING domain 1; minus strand). Cytogenetic location: 2q35.
Variant type: single nucleotide variant.
Coding change: c.2208T>A on transcript NM_000465.4 (MANE Select); coding-DNA position 2208, T replaced by A.
Protein change: p.Tyr736Ter; replaces tyrosine 736 with a stop codon.
Molecular consequence: nonsense. On other transcripts: non-coding transcript variant (3).
Genome position (GRCh38, 1-based): chr2:214,728,802, A>T on the plus strand (T>A on the coding strand, the complement: BARD1 is on the minus strand). VCF-style: chr2-214728802-A-T. GRCh37 (hg19) VCF-style: chr2-215593526-A-T.
Other names: c.2151T>A, p.Tyr717Ter (NM_001282543.2); c.855T>A, p.Tyr285Ter (NM_001282545.2); c.798T>A, p.Tyr266Ter (NM_001282548.2); c.669T>A, p.Tyr223Ter (NM_001282549.2); c.2208T>A (NM_000465.2); short protein forms Y266*, Y717*, Y285*, Y736*, Y223*.
Identifiers: ClinVar variation 1521142 (VCV001521142.12), dbSNP rs2105986813, ClinGen allele CA350450209.
Genomic context (GRCh38, chr2:214,728,802, plus strand): 5'-CCAGACTTTGCCCTGCCGAACCCTCTCTGGGTGATAATTACACAAATCTTCATAGATGAT[A>T]TACTGTGTGCAGAAGCGCTGATCAGAATCGGGTCTCGCATGGTATGCGACTGTATTGATG-3'